The following is an entry in ClinVar:

ClinVar aggregate classification (germline): Uncertain significance (1 of 4 stars; one submission).

Conditions:
Inborn genetic diseases. Identifiers: MedGen C0950123, MeSH D030342.

gnomAD v4.1: 1 of 1,510,172 alleles (0.000066%); highest among the groups gnomAD compares: Non-Finnish European, 0.000088%; no homozygotes.

Submission:

Ambry Genetics
Classification: Uncertain significance for Inborn genetic diseases. Last evaluated: 2025-10-22. Review status: criteria provided, single submitter. Criteria: Ambry Variant Classification Scheme 2023. Collection method: clinical testing. Allele origin: germline.
Comment: The p.V79M variant (also known as c.235G>A), located in coding exon 1 of the SH2B3 gene, results from a G to A substitution at nucleotide position 235. The valine at codon 79 is replaced by methionine, an amino acid with highly similar properties. This amino acid position is conserved. In addition, this alteration is predicted to be tolerated by in silico analysis. Based on the available evidence, the clinical significance of this variant remains unclear.

NM_005475.3(SH2B3):c.235G>A (p.Val79Met)

Gene: SH2B3 (SH2B adaptor protein 3; plus strand). Cytogenetic location: 12q24.12.
Variant type: single nucleotide variant.
Coding change: c.235G>A on transcript NM_005475.3 (MANE Select); coding-DNA position 235, G replaced by A.
Protein change: p.Val79Met; replaces valine 79 with methionine.
Molecular consequence: missense variant.
Genome position (GRCh38, 1-based): chr12:111,418,380, G>A. VCF-style: chr12-111418380-G-A. GRCh37 (hg19) VCF-style: chr12-111856184-G-A.
Other names: short protein forms V79M.
Identifiers: ClinVar variation 4630726 (VCV004630726.1).